The following is an entry in ClinVar:

ClinVar aggregate classification (germline): Uncertain significance. Review status: criteria provided, multiple submitters, no conflicts (2 of 4 stars). 2 submissions from 2 submitters: Uncertain significance (2). Last evaluated 2026-03-26.

Submissions (2):

GeneDx
Classification: Uncertain significance. Last evaluated: 2026-03-26. Review status: criteria provided, single submitter. Criteria: GeneDx Variant Classification Process June 2021. Collection method: clinical testing. Allele origin: germline.
Comment: In silico analysis suggests that this missense variant does not alter protein structure/function; Has not been previously published as pathogenic or benign to our knowledge

Ambry Genetics
Classification: Uncertain significance. Last evaluated: 2023-03-27. Review status: criteria provided, single submitter. Criteria: Ambry Variant Classification Scheme 2023. Collection method: clinical testing. Allele origin: germline.

NM_000099.4(CST3):c.184A>C (p.Lys62Gln)

Genes: CST3 (cystatin C; minus strand), LOC130065546 (ATAC-STARR-seq lymphoblastoid silent region 12733; plus strand). Cytogenetic location: 20p11.21.
Variant type: single nucleotide variant.
Coding change: c.184A>C on transcript NM_000099.4 (MANE Select); coding-DNA position 184, A replaced by C.
Protein change: p.Lys62Gln; replaces lysine 62 with glutamine.
Molecular consequence: missense variant.
Genome position (GRCh38, 1-based): chr20:23,637,679, T>G on the plus strand (A>C on the coding strand, the complement: CST3 is on the minus strand). VCF-style: chr20-23637679-T-G. GRCh37 (hg19) VCF-style: chr20-23618316-T-G.
Other names: c.184A>C (NM_000099.3); c.184A>C, p.Lys62Gln (NM_001288614.2); short protein forms K62Q.
Identifiers: ClinVar variation 2560521 (VCV002560521.3), dbSNP rs563244065, ClinGen allele CA408424164.
Genomic context (GRCh38, chr20:23,637,679, plus strand): 5'-CCTGCTTGCGGGCGCGCACCACCTGCAGCGCGCGGCTGTGGTACATGTCGTTGCTGGCTT[T>G]GTTGTACTCGCCGACGGCAAAGTCCAGTGCACGCCGCACACCCTCCTCCTCCACGCTGGC-3'
Protein context (NP_000090.1, residues 52-72): ALDFAVGEYN[Lys62Gln]ASNDMYHSRA